The following is an entry in ClinVar:

ClinVar aggregate classification (germline): Uncertain significance (1 of 4 stars; one submission).

Submission:

GeneDx
Classification: Uncertain significance. Last evaluated: 2025-09-03. Review status: criteria provided, single submitter. Criteria: GeneDx Variant Classification Process June 2021. Collection method: clinical testing. Allele origin: germline.
Comment: Not observed at significant frequency in large population cohorts (gnomAD); In silico analysis supports that this missense variant has a deleterious effect on protein structure/function; Has not been previously published as pathogenic or benign to our knowledge

NM_205768.3(ZBTB18):c.163A>G (p.Ser55Gly)

Gene: ZBTB18 (zinc finger and BTB domain containing 18; plus strand). Cytogenetic location: 1q44.
Variant type: single nucleotide variant.
Coding change: c.163A>G on transcript NM_205768.3 (MANE Select); coding-DNA position 163, A replaced by G.
Protein change: p.Ser55Gly; replaces serine 55 with glycine.
Molecular consequence: missense variant.
Genome position (GRCh38, 1-based): chr1:244,053,937, A>G. VCF-style: chr1-244053937-A-G. GRCh37 (hg19) VCF-style: chr1-244217239-A-G.
Other names: c.136A>G, p.Ser46Gly (NM_001278196.2, NM_006352.5); c.163A>G, p.Ser55Gly (NM_001421566.1); short protein forms S46G, S55G.
Identifiers: ClinVar variation 3361463 (VCV003361463.2).